The following is an entry in ClinVar:

NM_001083961.2(WDR62):c.4360G>A (p.Glu1454Lys)

Gene: WDR62 (WD repeat domain 62; plus strand). Cytogenetic location: 19q13.12.
Variant type: single nucleotide variant.
Coding change: c.4360G>A on transcript NM_001083961.2 (MANE Select); coding-DNA position 4360, G replaced by A.
Protein change: p.Glu1454Lys; replaces glutamic acid 1454 with lysine.
Molecular consequence: missense variant.
Genome position (GRCh38, 1-based): chr19:36,104,816, G>A. VCF-style: chr19-36104816-G-A. GRCh37 (hg19) VCF-style: chr19-36595718-G-A.
Other names: c.4345G>A, p.Glu1449Lys (NM_001411145.1, NM_173636.5); c.4111G>A, p.Glu1371Lys (NM_001411146.1); c.4009G>A, p.Glu1337Lys (NM_001411147.1); short protein forms E1371K, E1337K, E1454K, E1449K.
Identifiers: ClinVar variation 2007725 (VCV002007725.4), dbSNP rs2513804228, ClinGen allele CA405462254.

ClinVar aggregate classification (germline): Uncertain significance (1 of 4 stars; one submission).

Submission:

Labcorp Genetics (formerly Invitae), Labcorp
Classification: Uncertain significance. Last evaluated: 2023-08-17. Review status: criteria provided, single submitter. Criteria: Invitae Variant Classification Sherloc (09022015). Collection method: clinical testing. Allele origin: germline.
Comment: In summary, the available evidence is currently insufficient to determine the role of this variant in disease. Therefore, it has been classified as a Variant of Uncertain Significance. Advanced modeling of protein sequence and biophysical properties (such as structural, functional, and spatial information, amino acid conservation, physicochemical variation, residue mobility, and thermodynamic stability) performed at Invitae indicates that this missense variant is not expected to disrupt WDR62 protein function. ClinVar contains an entry for this variant (Variation ID: 2007725). This variant has not been reported in the literature in individuals affected with WDR62-related conditions. This variant is not present in population databases (gnomAD no frequency). This sequence change replaces glutamic acid, which is acidic and polar, with lysine, which is basic and polar, at codon 1454 of the WDR62 protein (p.Glu1454Lys).